The following is an entry in ClinVar:

ClinVar aggregate classification (germline): Pathogenic. Review status: criteria provided, multiple submitters, no conflicts (2 of 4 stars). 3 submissions from 3 submitters: Pathogenic (3). Last evaluated 2024-10-15.

Conditions:
Hereditary cancer-predisposing syndrome. Also called: Hereditary neoplastic syndrome; Hereditary Cancer Syndrome; Neoplastic Syndromes, Hereditary; Tumor predisposition. Identifiers: Orphanet 140162, MedGen C0027672, MeSH D009386, MONDO:0015356.
Familial cancer of breast. Also called: hereditary breast carcinoma; Hereditary breast cancer; BREAST CANCER, FAMILIAL. Identifiers: Orphanet 227535, MedGen C0346153, MONDO:0016419, OMIM 114480. Disease mechanism: loss of function.

Submissions (3):

Ambry Genetics
Classification: Pathogenic for Hereditary cancer-predisposing syndrome. Last evaluated: 2024-10-15. Review status: criteria provided, single submitter. Criteria: Ambry Variant Classification Scheme 2023. Collection method: clinical testing. Allele origin: germline.
Comment: The c.3193dupT pathogenic mutation, located in coding exon 11 of the PALB2 gene, results from a duplication of T at nucleotide position 3193, causing a translational frameshift with a predicted alternate stop codon (p.S1065Ffs*2). This variant is considered to be rare based on population cohorts in the Genome Aggregation Database (gnomAD). This alteration is expected to result in loss of function by premature protein truncation or nonsense-mediated mRNA decay. As such, this alteration is interpreted as a disease-causing mutation.

Labcorp Genetics (formerly Invitae), Labcorp
Classification: Pathogenic for Familial cancer of breast. Last evaluated: 2023-07-29. Review status: criteria provided, single submitter. Criteria: Invitae Variant Classification Sherloc (09022015). Collection method: clinical testing. Allele origin: germline.
Comment: For these reasons, this variant has been classified as Pathogenic. This variant has not been reported in the literature in individuals affected with PALB2-related conditions. This variant is not present in population databases (gnomAD no frequency). This sequence change creates a premature translational stop signal (p.Ser1065Phefs*2) in the PALB2 gene. It is expected to result in an absent or disrupted protein product. Loss-of-function variants in PALB2 are known to be pathogenic (PMID: 17200668, 17200671, 17200672, 24136930, 25099575).

GeneDx
Classification: Pathogenic. Last evaluated: 2023-07-17. Review status: criteria provided, single submitter. Criteria: GeneDx Variant Classification Process June 2021. Collection method: clinical testing. Allele origin: germline. Affected: yes.
Comment: Frameshift variant predicted to result in protein truncation or nonsense mediated decay in a gene for which loss-of-function is a known mechanism of disease; Not observed at significant frequency in large population cohorts (gnomAD); Truncating variants in this gene are considered pathogenic by a well-established clinical consortium and/or database; Has not been previously published as pathogenic or benign to our knowledge

Literature cited by the submitters: PubMed 17200668 (cited by Labcorp Genetics (formerly Invitae), Labcorp); PubMed 17200671 (cited by Labcorp Genetics (formerly Invitae), Labcorp); PubMed 17200672 (cited by Labcorp Genetics (formerly Invitae), Labcorp); PubMed 24136930 (cited by Labcorp Genetics (formerly Invitae), Labcorp); PubMed 25099575 (cited by Labcorp Genetics (formerly Invitae), Labcorp).

NM_024675.4(PALB2):c.3193dup (p.Ser1065fs)

Gene: PALB2 (partner and localizer of BRCA2; minus strand). Cytogenetic location: 16p12.2.
Variant type: Duplication.
Coding change: c.3193dup on transcript NM_024675.4 (MANE Select); coding-DNA position 3193, one base duplicated (T; older notation c.3193dupT).
Protein change: p.Ser1065fs; shifts the reading frame from serine 1065.
Molecular consequence: frameshift variant. On other transcripts: intron variant (3).
Genome position (GRCh38, 1-based): chr16:23,614,012, A duplicated on the plus strand (T on the coding strand, the reverse complement: PALB2 is on the minus strand); the first of 2 consecutive A bases (chr16:23,614,012-23,614,013); duplicating either gives the same sequence. VCF-style (leftmost placement, unchanged base first): chr16-23614011-G-GA. GRCh37 (hg19) VCF-style: chr16-23625332-G-GA.
Other names: c.3193dup (NM_024675.3); c.3133dup, p.Ser1045fs (NM_001407296.1); c.3121dup, p.Ser1041fs (NM_001407297.1); c.3031dup, p.Ser1011fs (NM_001407298.1, NM_001407302.1); c.2914dup, p.Ser972fs (NM_001407300.1); c.3193dup, p.Ser1065fs (NM_001407301.1); c.2308dup, p.Ser770fs (NM_001407304.1, NM_001407305.1, NM_001407306.1 and 2 more transcripts); c.2146dup, p.Ser716fs (NM_001407307.1); and 5 more; short protein forms S1011fs, S1041fs, S1045fs, S1065fs, S243fs, S469fs, S716fs, S770fs.
Identifiers: ClinVar variation 2573823 (VCV002573823.5), dbSNP rs2506264526, ClinGen allele CA2580613441.